The following is an entry in ClinVar:

ClinVar aggregate classification (germline): Uncertain significance. Review status: criteria provided, multiple submitters, no conflicts (2 of 4 stars). 4 submissions from 4 submitters: Uncertain significance (4). Last evaluated 2025-11-29.

Conditions:
Pheochromocytoma. Also called: MAX-Related Hereditary Paraganglioma-Pheochromocytoma Syndrome. Identifiers: Orphanet 29072, MedGen C0031511, MONDO:0008233, OMIM 171300, HP:0002666.
Paragangliomas with sensorineural hearing loss. Identifiers: MedGen C1868633.
Carney-Stratakis syndrome. Also called: PARAGANGLIOMA AND GASTROINTESTINAL STROMAL TUMOR. Identifiers: Orphanet 97286, MedGen C1847319, MONDO:0011740, OMIM 606864.
Cowden syndrome 3 (CWS3). Identifiers: Orphanet 201, MedGen CN166604, MONDO:0014045.
Hereditary cancer-predisposing syndrome. Also called: Neoplastic Syndromes, Hereditary; Tumor predisposition; Hereditary Cancer Syndrome; Hereditary neoplastic syndrome. Identifiers: Orphanet 140162, MedGen C0027672, MeSH D009386, MONDO:0015356.
Mitochondrial complex 2 deficiency, nuclear type 3. Also called: MITOCHONDRIAL COMPLEX II DEFICIENCY, NUCLEAR TYPE 3. Identifiers: MedGen C5436934, MONDO:0030937, OMIM 619167.

Allele frequency attached by ClinVar (database versions not stated): gnomAD exomes below 0.00001 and 0.00001; TOPMed below 0.00001; gnomAD 0.00001; ExAC 0.00002.
gnomAD v4.1: 5 of 1,611,796 alleles (0.00031%); highest among the groups gnomAD compares: East Asian, 0.0089%; no homozygotes.

Submissions (4):

Ambry Genetics
Classification: Uncertain significance for Hereditary cancer-predisposing syndrome. Last evaluated: 2025-11-29. Review status: criteria provided, single submitter. Criteria: Ambry Variant Classification Scheme 2023. Collection method: clinical testing. Allele origin: germline.
Comment: The p.D118G variant (also known as c.353A>G), located in coding exon 4 of the SDHD gene, results from an A to G substitution at nucleotide position 353. The aspartic acid at codon 118 is replaced by glycine, an amino acid with similar properties. This amino acid position is not well conserved in available vertebrate species. In addition, this alteration is predicted to be deleterious by in silico analysis. Since supporting evidence is limited at this time, the clinical significance of this alteration remains unclear.

Labcorp Genetics (formerly Invitae), Labcorp
Classification: Uncertain significance for Carney-Stratakis syndrome; Paragangliomas with sensorineural hearing loss; Pheochromocytoma; Cowden syndrome 3. Last evaluated: 2025-07-22. Review status: criteria provided, single submitter. Criteria: Invitae Variant Classification Sherloc (09022015). Collection method: clinical testing. Allele origin: germline.
Comment: This sequence change replaces aspartic acid, which is acidic and polar, with glycine, which is neutral and non-polar, at codon 118 of the SDHD protein (p.Asp118Gly). This variant is present in population databases (rs750857413, gnomAD 0.02%). This variant has not been reported in the literature in individuals affected with SDHD-related conditions. ClinVar contains an entry for this variant (Variation ID: 234173). Invitae Evidence Modeling of protein sequence and biophysical properties (such as structural, functional, and spatial information, amino acid conservation, physicochemical variation, residue mobility, and thermodynamic stability) has been performed for this missense variant. However, the output from this modeling did not meet the statistical confidence thresholds required to predict the impact of this variant on SDHD protein function. In summary, the available evidence is currently insufficient to determine the role of this variant in disease. Therefore, it has been classified as a Variant of Uncertain Significance.

Baylor Genetics
Classification: Uncertain significance for Mitochondrial complex 2 deficiency, nuclear type 3. Last evaluated: 2024-02-13. Review status: criteria provided, single submitter. Criteria: ACMG Guidelines, 2015. Collection method: clinical testing. Allele origin: unknown.

GeneDx
Classification: Uncertain significance. Last evaluated: 2023-08-01. Review status: criteria provided, single submitter. Criteria: GeneDx Variant Classification Process June 2021. Collection method: clinical testing. Allele origin: germline. Affected: yes.
Comment: In silico analysis supports that this missense variant has a deleterious effect on protein structure/function; Observed in individuals with breast cancer in published literature (Chen et al., 2020); This variant is associated with the following publications: (PMID: 32091409)

NM_003002.4(SDHD):c.353A>G (p.Asp118Gly)

Gene: SDHD (succinate dehydrogenase complex subunit D; plus strand). Cytogenetic location: 11q23.1.
Variant type: single nucleotide variant.
Coding change: c.353A>G on transcript NM_003002.4 (MANE Select); coding-DNA position 353, A replaced by G.
Protein change: p.Asp118Gly; replaces aspartic acid 118 with glycine.
Molecular consequence: missense variant. On other transcripts: 3 prime UTR variant (1), non-coding transcript variant (1).
Genome position (GRCh38, 1-based): chr11:112,094,843, A>G. VCF-style: chr11-112094843-A-G. GRCh37 (hg19) VCF-style: chr11-111965567-A-G.
Other names: c.208A>G, p.Met70Val (NM_001276503.2); c.236A>G, p.Asp79Gly (NM_001276504.2); c.*51A>G (NM_001276506.2); short protein forms D118G, M70V, D79G.
Identifiers: ClinVar variation 234173 (VCV000234173.19), dbSNP rs750857413, ClinGen allele CA071271.